The following is an entry in ClinVar:

NM_020975.6(RET):c.5_28dup (p.Ala9_Gly10insAlaLysAlaThrSerGlyAlaAla)

Genes: RET (ret proto-oncogene; plus strand), LOC106736614 (RET 5' regulatory region; plus strand). Cytogenetic location: 10q11.21.
Variant type: Duplication.
Coding change: c.5_28dup on transcript NM_020975.6 (MANE Select); coding-DNA positions 5 to 28, 24 bases duplicated (CGAAGGCGACGTCCGGTGCCGCGG).
Protein change: p.Ala9_Gly10insAlaLysAlaThrSerGlyAlaAla.
Molecular consequence: inframe insertion, initiator codon variant. On other transcripts: inframe indel (41).
Genome position (GRCh38, 1-based): chr10:43,077,263-43,077,286, CGAAGGCGACGTCCGGTGCCGCGG duplicated; duplicating any 24 consecutive bases within chr10:43,077,261-43,077,286 gives the same sequence; the c. name uses the placement nearest the transcript's 3' end. VCF-style (leftmost placement, unchanged base first): chr10-43077260-T-TGGCGAAGGCGACGTCCGGTGCCGC. GRCh37 (hg19) VCF-style: chr10-43572708-T-TGGCGAAGGCGACGTCCGGTGCCGC.
Other names: c.5_28dup, p.Ala9_Gly10insAlaLysAlaThrSerGlyAlaAla (NM_000323.2, NM_001406743.1, NM_001406744.1 and 38 more transcripts); c.5_28dupCGAAGGCGACGTCCGGTGCCGCGG (NM_020975.4).
Identifiers: ClinVar variation 1020843 (VCV001020843.16), dbSNP rs1837063549, ClinGen allele CA1905814148.

ClinVar aggregate classification (germline): Uncertain significance. Review status: criteria provided, multiple submitters, no conflicts (2 of 4 stars). 3 submissions from 3 submitters: Uncertain significance (3). Last evaluated 2025-10-09.

Conditions:
Hereditary cancer-predisposing syndrome. Also called: Tumor predisposition; Neoplastic Syndromes, Hereditary; Hereditary neoplastic syndrome; Hereditary Cancer Syndrome. Identifiers: Orphanet 140162, MedGen C0027672, MeSH D009386, MONDO:0015356.
Multiple endocrine neoplasia, type 2 (MEN2). Identifiers: Orphanet 653, MedGen C4048306, MONDO:0019003. Disease mechanism: gain of function.

Submissions (3):

Labcorp Genetics (formerly Invitae), Labcorp
Classification: Uncertain significance for Multiple endocrine neoplasia, type 2. Last evaluated: 2025-10-09. Review status: criteria provided, single submitter. Criteria: Invitae Variant Classification Sherloc (09022015). Collection method: clinical testing. Allele origin: germline.
Comment: This variant, c.5_28dup, results in the insertion of 8 amino acid(s) of the RET protein (p.Ala2_Ala9dup), but otherwise preserves the integrity of the reading frame. This variant is not present in population databases (gnomAD no frequency). This variant has not been reported in the literature in individuals affected with RET-related conditions. ClinVar contains an entry for this variant (Variation ID: 1020843). Experimental studies and prediction algorithms are not available or were not evaluated, and the functional significance of this variant is currently unknown. In summary, the available evidence is currently insufficient to determine the role of this variant in disease. Therefore, it has been classified as a Variant of Uncertain Significance.

Center for Genomic Medicine, Rigshospitalet, Copenhagen University Hospital
Classification: Uncertain significance. Last evaluated: 2025-03-04. Review status: criteria provided, single submitter. Criteria: ACMG Guidelines, 2015. Collection method: clinical testing. Allele origin: germline.

Ambry Genetics
Classification: Uncertain significance for Hereditary cancer-predisposing syndrome. Last evaluated: 2024-06-05. Review status: criteria provided, single submitter. Criteria: Ambry Variant Classification Scheme 2023. Collection method: clinical testing. Allele origin: germline.
Comment: The c.5_28dup24 variant (also known as p.A2_A9dup), located in coding exon 1 of the RET gene, results from an in-frame duplication of 24 nucleotides at nucleotide positions 5 to 28. This results in the duplication of 8 extra residues (AKATSGAA) between codons 2 and 9. This amino acid region is not well conserved in available vertebrate species. Since supporting evidence is limited at this time, the clinical significance of this alteration remains unclear.